The following is an entry in ClinVar:

ClinVar aggregate classification (germline): Uncertain significance (1 of 4 stars; one submission).

Submission:

GeneDx
Classification: Uncertain significance. Last evaluated: 2023-03-14. Review status: criteria provided, single submitter. Criteria: GeneDx Variant Classification Process June 2021. Collection method: clinical testing. Allele origin: germline. Affected: yes.
Comment: Not observed at significant frequency in large population cohorts (gnomAD); In silico analysis supports that this missense variant does not alter protein structure/function; Has not been previously published as pathogenic or benign to our knowledge

NM_020338.4(ZMIZ1):c.103C>G (p.Leu35Val)

Gene: ZMIZ1 (zinc finger MIZ-type containing 1; plus strand). Cytogenetic location: 10q22.3.
Variant type: single nucleotide variant.
Coding change: c.103C>G on transcript NM_020338.4 (MANE Select); coding-DNA position 103, C replaced by G.
Protein change: p.Leu35Val; replaces leucine 35 with valine.
Molecular consequence: missense variant.
Genome position (GRCh38, 1-based): chr10:79,208,378, C>G. VCF-style: chr10-79208378-C-G. GRCh37 (hg19) VCF-style: chr10-80968135-C-G.
Other names: short protein forms L35V.
Identifiers: ClinVar variation 2579979 (VCV002579979.1), dbSNP rs2493370494, ClinGen allele CA377413254.
Genomic context (GRCh38, chr10:79,208,378, plus strand): 5'-CCTTTTCCTTTCCCACAGCACTTACAGAATCCTGCCAACTTCCACAATGCCGCCACGGAG[C>G]TGCTGGACTGGTGCGGAGACCCACGGGCCTTCCAGCGGCCCTTCGAGCAGAGCCTGATGG-3'
Protein context (NP_065071.1, residues 25-45): PANFHNAATE[Leu35Val]LDWCGDPRAF